The following is an entry in ClinVar:

NM_022041.4(GAN):c.1658C>G (p.Thr553Ser)

Gene: GAN (gigaxonin; plus strand). Cytogenetic location: 16q23.2.
Variant type: single nucleotide variant.
Coding change: c.1658C>G on transcript NM_022041.4 (MANE Select); coding-DNA position 1658, C replaced by G.
Protein change: p.Thr553Ser; replaces threonine 553 with serine.
Molecular consequence: missense variant.
Genome position (GRCh38, 1-based): chr16:81,377,460, C>G. VCF-style: chr16-81377460-C-G. GRCh37 (hg19) VCF-style: chr16-81411065-C-G.
Other names: c.1019C>G, p.Thr340Ser (NM_001377486.1); short protein forms T340S, T553S.
Identifiers: ClinVar variation 1390869 (VCV001390869.6), dbSNP rs759200321, ClinGen allele CA396892353.

ClinVar aggregate classification (germline): Uncertain significance (1 of 4 stars; one submission).

Conditions:
Giant axonal neuropathy 1 (GAN1). Also called: GIANT AXONAL NEUROPATHY 1, AUTOSOMAL RECESSIVE; GAN-Related Neurodegeneration. Identifiers: Orphanet 643, MedGen C1850386, MONDO:0009749, OMIM 256850.

Submission:

Labcorp Genetics (formerly Invitae), Labcorp
Classification: Uncertain significance for Giant axonal neuropathy 1. Last evaluated: 2021-11-02. Review status: criteria provided, single submitter. Criteria: Invitae Variant Classification Sherloc (09022015). Collection method: clinical testing. Allele origin: germline.
Comment: In summary, the available evidence is currently insufficient to determine the role of this variant in disease. Therefore, it has been classified as a Variant of Uncertain Significance. Algorithms developed to predict the effect of missense changes on protein structure and function (SIFT, PolyPhen-2, Align-GVGD) all suggest that this variant is likely to be tolerated. This variant has not been reported in the literature in individuals affected with GAN-related conditions. This variant is not present in population databases (gnomAD no frequency). This sequence change replaces threonine, which is neutral and polar, with serine, which is neutral and polar, at codon 553 of the GAN protein (p.Thr553Ser).